The following is an entry in ClinVar:

NM_004360.5(CDH1):c.2281G>C (p.Gly761Arg)

Gene: CDH1 (cadherin 1; plus strand). Cytogenetic location: 16q22.1.
Variant type: single nucleotide variant.
Coding change: c.2281G>C on transcript NM_004360.5 (MANE Select); coding-DNA position 2281, G replaced by C.
Protein change: p.Gly761Arg; replaces glycine 761 with arginine.
Molecular consequence: missense variant.
Genome position (GRCh38, 1-based): chr16:68,828,290, G>C. VCF-style: chr16-68828290-G-C. GRCh37 (hg19) VCF-style: chr16-68862193-G-C.
Other names: c.2098G>C, p.Gly700Arg (NM_001317184.2); c.733G>C, p.Gly245Arg (NM_001317185.2); c.316G>C, p.Gly106Arg (NM_001317186.2); short protein forms G700R, G106R, G761R, G245R.
Identifiers: ClinVar variation 2750614 (VCV002750614.3), dbSNP rs779648243, ClinGen allele CA396470064.

ClinVar aggregate classification (germline): Uncertain significance (1 of 4 stars; one submission).

Conditions:
Hereditary diffuse gastric adenocarcinoma (HDGC). Also called: DIFFUSE GASTRIC AND LOBULAR BREAST CANCER SYNDROME. Identifiers: Orphanet 26106, MedGen C1708349, MONDO:0007648, OMIM 137215.

Submission:

Labcorp Genetics (formerly Invitae), Labcorp
Classification: Uncertain significance for Hereditary diffuse gastric adenocarcinoma. Last evaluated: 2023-08-06. Review status: criteria provided, single submitter. Criteria: Invitae Variant Classification Sherloc (09022015). Collection method: clinical testing. Allele origin: germline.
Comment: This sequence change replaces glycine, which is neutral and non-polar, with arginine, which is basic and polar, at codon 761 of the CDH1 protein (p.Gly761Arg). This variant is not present in population databases (gnomAD no frequency). This missense change has been observed in individuals with diffuse gastric cancer (PMID: 35327954; Invitae). An algorithm developed to predict the effect of missense changes on protein structure and function (PolyPhen-2) suggests that this variant is likely to be disruptive. Studies have shown that this missense change alters CDH1 gene expression (PMID: 35327954). In summary, the available evidence is currently insufficient to determine the role of this variant in disease. Therefore, it has been classified as a Variant of Uncertain Significance.

Literature cited by the submitters: PubMed 35327954.